The following is an entry in ClinVar:

ClinVar aggregate classification (germline): Benign (1 of 4 stars; one submission).

Allele frequency attached by ClinVar (database versions not stated): gnomAD 0.58030 and 0.59093; TOPMed 0.58804; 1000 Genomes Project 30x 0.67099; 1000 Genomes Project 0.68091.
gnomAD v4.1: 89,888 of 152,130 alleles (59%); highest among the groups gnomAD compares: East Asian, 93%; 26,896 homozygotes.

Submission:

GeneDx
Classification: Benign. Last evaluated: 2018-06-14. Review status: criteria provided, single submitter. Criteria: GeneDx Variant Classification (06012015). Collection method: clinical testing. Allele origin: germline. Affected: yes.
Comment: This variant is considered likely benign or benign based on one or more of the following criteria: it is a conservative change, it occurs at a poorly conserved position in the protein, it is predicted to be benign by multiple in silico algorithms, and/or has population frequency not consistent with disease.

NM_175914.5(HNF4A):c.224+266C>T

Gene: HNF4A (hepatocyte nuclear factor 4 alpha; plus strand). Cytogenetic location: 20q13.12.
Variant type: single nucleotide variant.
Coding change: c.224+266C>T on transcript NM_175914.5 (MANE Select); 266 bases into the intron after coding-DNA position 224, C replaced by T.
Molecular consequence: intron variant.
Genome position (GRCh38, 1-based): chr20:44,406,498, C>T. VCF-style: chr20-44406498-C-T. GRCh37 (hg19) VCF-style: chr20-43035138-C-T.
Other names: c.215+266C>T (NM_001287182.2, NM_001287183.2, NM_001287184.2); c.224+266C>T (NM_001030003.3, NM_001030004.3); c.269+266C>T (NM_001258355.2); c.290+266C>T (NM_178849.3, NM_000457.6, NM_178850.3).
Identifiers: ClinVar variation 667606 (VCV000667606.1), dbSNP rs3212183, ClinGen allele CA14788733.